The following is an entry in ClinVar:

ClinVar aggregate classification (germline): Conflicting classifications of pathogenicity. Review status: criteria provided, conflicting classifications (1 of 4 stars). 6 submissions from 6 submitters: Likely pathogenic (3); Uncertain significance (1). 2 of the submissions do not count toward it. Last evaluated 2025-12-18.

Conditions:
Fraser syndrome 2 (FRASRS2). Identifiers: MedGen C4540036, MONDO:0054738, OMIM 617666.
Isolated cryptophthalmia. Also called: Cryptophthalmos, unilateral or bilateral, isolated; ANKYLOBLEPHARON, SIMPLE. Identifiers: Orphanet 91396, MedGen C1852453, MONDO:0007410, OMIM 123570.

Allele frequency attached by ClinVar (database versions not stated): TOPMed 0.00006; ESP Exome Variant Server 0.00008; gnomAD 0.00006.
gnomAD v4.1: 90 of 1,611,944 alleles (0.0056%); highest among the groups gnomAD compares: Middle Eastern, 0.15%; no homozygotes.

Submissions (6):

Department of Molecular Genetics, Istishari Arab Hospital
Classification: Likely pathogenic for Fraser syndrome 2. Last evaluated: 2025-12-18. Review status: criteria provided, single submitter. Criteria: ACMG Guidelines, 2015. Collection method: clinical testing. Allele origin: germline. Inheritance: Autosomal recessive inheritance. Affected: yes.
Comment: The FREM2 variant c.5059G>T, p.Glu1687* creates a premature stop codon at position 1687. This stop-gained (nonsense) variant is predicted to result in a loss or disruption of normal protein function through nonsense-mediated decay (NMD) or protein truncation. This variant is observed with very low frequency in the gnomAD v4.1.0 dataset (<0.001) and has not been previously described in the literature. It is classified as likely pathogenic according to the recommendations of ACMG/AMP/ClinGen SVI guidelines.

First Genomix Gene Laboratory, Genetic Diagnostics Department
Classification: Likely pathogenic for Fraser syndrome 2; Isolated cryptophthalmia. Last evaluated: 2025-01-21. Review status: criteria provided, single submitter. Criteria: ACMG Guidelines, 2015. Collection method: clinical testing. Allele origin: germline. Inheritance: Autosomal recessive inheritance. Affected: no. Observed: 1 variant allele.

Department of Pathology and Laboratory Medicine, Sinai Health System
Classification: Likely pathogenic for Isolated cryptophthalmia; Fraser syndrome 2. Last evaluated: 2023-03-13. Review status: criteria provided, single submitter. Criteria: ACMG Guidelines, 2015. Collection method: research. Allele origin: germline.

Breakthrough Genomics
Classification: Uncertain significance. Review status: criteria provided, single submitter. Criteria: ACMG Guidelines, 2015. Collection method: not provided. Allele origin: germline. Inheritance: Autosomal recessive inheritance. Affected: yes.

Clinical Genetics DNA and cytogenetics Diagnostics Lab, Erasmus MC, Erasmus Medical Center
Classification: Uncertain significance. Review status: no assertion criteria provided. Collection method: clinical testing. Allele origin: germline. Affected: yes. Study: VKGL Data-share Consensus. Not counted in ClinVar's aggregate classification.

Laboratory of Diagnostic Genome Analysis, Leiden University Medical Center (LUMC)
Classification: Uncertain significance. Review status: no assertion criteria provided. Collection method: clinical testing. Allele origin: germline. Affected: yes. Study: VKGL Data-share Consensus. Not counted in ClinVar's aggregate classification.

NM_207361.6(FREM2):c.5059G>T (p.Glu1687Ter)

Gene: FREM2 (FRAS1 related extracellular matrix 2; plus strand). Cytogenetic location: 13q13.3.
Variant type: single nucleotide variant.
Coding change: c.5059G>T on transcript NM_207361.6 (MANE Select); coding-DNA position 5059, G replaced by T.
Protein change: p.Glu1687Ter; replaces glutamic acid 1687 with a stop codon.
Molecular consequence: nonsense.
Genome position (GRCh38, 1-based): chr13:38,692,403, G>T. VCF-style: chr13-38692403-G-T. GRCh37 (hg19) VCF-style: chr13-39266540-G-T.
Other names: p.Glu1687*; short protein forms E1687*.
Identifiers: ClinVar variation 631702 (VCV000631702.10), dbSNP rs148965852, ClinGen allele CA6955127.
Genomic context (GRCh38, chr13:38,692,403, plus strand): 5'-CTTCGCACTCTAGCCACTGGCCACTTGGGGTTCATGATCACAAGCAAAATATTGAAAGTG[G>T]AGGACAGAGACAGCTTACACATTTCTCTTAGATTTATCGTGACAGAGGCCCCTCAACATG-3'